The following is an entry in ClinVar:

NM_000368.5(TSC1):c.2314del (p.Met771_Val772insTer)

Gene: TSC1 (TSC complex subunit 1; minus strand). Cytogenetic location: 9q34.13.
Variant type: Deletion.
Coding change: c.2314del on transcript NM_000368.5 (MANE Select); coding-DNA position 2314, one base deleted (G; older notation c.2314delG).
Protein change: p.Met771_Val772insTer.
Molecular consequence: nonsense. On other transcripts: non-coding transcript variant (5).
Genome position (GRCh38, 1-based): chr9:132,902,682, C deleted on the plus strand (G on the coding strand, the reverse complement: TSC1 is on the minus strand); the first of 2 consecutive C bases (chr9:132,902,682-132,902,683); deleting either gives the same sequence. VCF-style (leftmost placement, unchanged base first): chr9-132902681-AC-A. GRCh37 (hg19) VCF-style: chr9-135778068-AC-A.
Other names: c.2311del, p.Met770_Val771insTer (NM_001162426.2, NM_001406597.1, NM_001406598.1 and 4 more transcripts); c.2161del, p.Met720_Val721insTer (NM_001162427.2, NM_001406610.1); c.1951del, p.Met650_Val651insTer (NM_001362177.2, NM_001406614.1, NM_001406615.1 and 5 more transcripts); c.2314del, p.Met771_Val772insTer (NM_001406592.1, NM_001406593.1, NM_001406594.1 and 5 more transcripts); c.2299del, p.Met766_Val767insTer (NM_001406601.1, NM_001406602.1); c.2296del, p.Met765_Val766insTer (NM_001406603.1, NM_001406604.1); c.2158del, p.Met719_Val720insTer (NM_001406611.1, NM_001406612.1, NM_001406613.1); c.1948del, p.Met649_Val650insTer (NM_001406620.1, NM_001406621.1, NM_001406622.1 and 2 more transcripts); and 3 more.
Identifiers: ClinVar variation 2780162 (VCV002780162.3), dbSNP rs2538614714, ClinGen allele CA2695203311.

ClinVar aggregate classification (germline): Pathogenic (1 of 4 stars; one submission).

Conditions:
Tuberous sclerosis 1 (TSC1). Identifiers: Orphanet 805, MedGen C1854465, MONDO:0008612, OMIM 191100.

Submission:

Labcorp Genetics (formerly Invitae), Labcorp
Classification: Pathogenic for Tuberous sclerosis 1. Last evaluated: 2022-12-30. Review status: criteria provided, single submitter. Criteria: Invitae Variant Classification Sherloc (09022015). Collection method: clinical testing. Allele origin: germline.
Comment: For these reasons, this variant has been classified as Pathogenic. This variant has not been reported in the literature in individuals affected with TSC1-related conditions. This variant is not present in population databases (gnomAD no frequency). This sequence change creates a premature translational stop signal (p.Val772*) in the TSC1 gene. It is expected to result in an absent or disrupted protein product. Loss-of-function variants in TSC1 are known to be pathogenic (PMID: 10227394, 17304050).

Literature cited by the submitters: PubMed 10227394; PubMed 17304050.